The following is an entry in ClinVar:

ClinVar aggregate classification (germline): Uncertain significance (1 of 4 stars; one submission).

Conditions:
Hereditary cancer-predisposing syndrome. Also called: Neoplastic Syndromes, Hereditary; Hereditary Cancer Syndrome; Tumor predisposition; Hereditary neoplastic syndrome. Identifiers: Orphanet 140162, MedGen C0027672, MeSH D009386, MONDO:0015356.

Submission:

Color Diagnostics, LLC DBA Color Health
Classification: Uncertain significance for Hereditary cancer-predisposing syndrome. Last evaluated: 2023-12-05. Review status: criteria provided, single submitter. Criteria: ACMG Guidelines, 2015. Collection method: clinical testing. Allele origin: germline.
Comment: This missense variant replaces valine with methionine at codon 162 of the BAP1 protein. Computational prediction suggests that this variant may not impact protein structure and function (internally defined REVEL score threshold <= 0.5, PMID: 27666373). To our knowledge, functional studies have not been reported for this variant. This variant has not been reported in individuals affected with BAP1-related disorders in the literature. This variant has not been identified in the general population by the Genome Aggregation Database (gnomAD). The available evidence is insufficient to determine the role of this variant in disease conclusively. Therefore, this variant is classified as a Variant of Uncertain Significance.

NM_004656.4(BAP1):c.484G>A (p.Val162Met)

Gene: BAP1 (BRCA1 associated deubiquitinase 1; minus strand). Cytogenetic location: 3p21.1.
Variant type: single nucleotide variant.
Coding change: c.484G>A on transcript NM_004656.4 (MANE Select); coding-DNA position 484, G replaced by A.
Protein change: p.Val162Met; replaces valine 162 with methionine.
Molecular consequence: missense variant.
Genome position (GRCh38, 1-based): chr3:52,407,270, C>T on the plus strand (G>A on the coding strand, the complement: BAP1 is on the minus strand). VCF-style: chr3-52407270-C-T. GRCh37 (hg19) VCF-style: chr3-52441286-C-T.
Other names: short protein forms V162M.
Identifiers: ClinVar variation 927197 (VCV000927197.4), dbSNP rs1705196285, ClinGen allele CA353110150.